The following is an entry in ClinVar:

NM_001127511.3(APC):c.-109C>T

Gene: APC (APC regulator of Wnt signaling pathway; plus strand). Cytogenetic location: 5q22.2.
Variant type: single nucleotide variant.
Coding change: c.-109C>T on transcript NM_001127511.3; 109 bases upstream of the start codon, C replaced by T.
Molecular consequence: 5 prime UTR variant. On other transcripts: non-coding transcript variant (2).
Genome position (GRCh38, 1-based): chr5:112,707,609, C>T. VCF-style: chr5-112707609-C-T. GRCh37 (hg19) VCF-style: chr5-112043306-C-T.
Other names: c.-292C>T (NM_001354895.2, NM_001407447.1, NM_001407452.1 and 3 more transcripts); c.-109C>T (NM_001354897.2, NM_001354902.2, NM_001407446.1); c.-59C>T (NM_001407448.1, NM_001407450.1, NM_001407457.1 and 1 more transcripts); c.-83C>T (NM_001407453.1); c.-1327C>T (NM_001407470.1, NM_001407472.1).
Identifiers: ClinVar variation 1411642 (VCV001411642.7), dbSNP rs761634030, ClinGen allele CA802057182.

ClinVar aggregate classification (germline): Conflicting classifications of pathogenicity. Review status: criteria provided, conflicting classifications (1 of 4 stars). 2 submissions from 2 submitters: Uncertain significance (1); Likely benign (1). Last evaluated 2025-10-01.

Conditions:
Familial adenomatous polyposis 1 (FAP1). Also called: FAMILIAL ADENOMATOUS POLYPOSIS 1, ATTENUATED; POLYPOSIS, ADENOMATOUS INTESTINAL. Identifiers: MedGen C2713442, MONDO:0021056, OMIM 175100. Disease mechanism: loss of function.

gnomAD v4.1: 10 of 1,220,720 alleles (0.00082%); highest among the groups gnomAD compares: South Asian, 0.0053%; no homozygotes.

Submissions (2):

Labcorp Genetics (formerly Invitae), Labcorp
Classification: Uncertain significance for Familial adenomatous polyposis 1. Last evaluated: 2025-10-01. Review status: criteria provided, single submitter. Criteria: Invitae Variant Classification Sherloc (09022015). Collection method: clinical testing. Allele origin: germline.
Comment: This variant occurs in a non-coding region of the APC gene. It does not change the encoded amino acid sequence of the APC protein. This variant is not present in population databases (gnomAD no frequency). This variant has not been reported in the literature in individuals affected with APC-related conditions. Experimental studies and prediction algorithms are not available or were not evaluated, and the functional significance of this variant is currently unknown. In summary, the available evidence is currently insufficient to determine the role of this variant in disease. Therefore, it has been classified as a Variant of Uncertain Significance.

Center for Genomic Medicine, Rigshospitalet, Copenhagen University Hospital
Classification: Likely benign. Last evaluated: 2025-03-04. Review status: criteria provided, single submitter. Criteria: ACMG Guidelines, 2015. Collection method: clinical testing. Allele origin: germline.